The following is an entry in ClinVar:

NM_000016.6(ACADM):c.177A>C (p.Glu59Asp)

Gene: ACADM (acyl-CoA dehydrogenase medium chain; plus strand). Cytogenetic location: 1p31.1.
Variant type: single nucleotide variant.
Coding change: c.177A>C on transcript NM_000016.6 (MANE Select); coding-DNA position 177, A replaced by C.
Protein change: p.Glu59Asp; replaces glutamic acid 59 with aspartic acid.
Molecular consequence: missense variant. On other transcripts: 5 prime UTR variant (1).
Genome position (GRCh38, 1-based): chr1:75,732,702, A>C. VCF-style: chr1-75732702-A-C. GRCh37 (hg19) VCF-style: chr1-76198387-A-C.
Other names: c.189A>C, p.Glu63Asp (NM_001127328.3); c.69A>C, p.Glu23Asp (NM_001286042.2); c.177A>C, p.Glu59Asp (NM_001286043.2); c.-209A>C (NM_001286044.2); short protein forms E59D, E23D, E63D.
Identifiers: ClinVar variation 377419 (VCV000377419.4), dbSNP rs1057520214, ClinGen allele CA16603696.

ClinVar aggregate classification (germline): Likely pathogenic. Review status: criteria provided, single submitter (1 of 4 stars). 2 submissions from 2 submitters: Likely pathogenic (1). 1 of the submissions does not count toward it. Last evaluated 2019-08-19.

Conditions:
Medium-chain acyl-coenzyme A dehydrogenase deficiency (ACADMD). Also called: CARNITINE DEFICIENCY SECONDARY TO MEDIUM-CHAIN ACYL-CoA DEHYDROGENASE DEFICIENCY; ACADM DEFICIENCY; MCADH DEFICIENCY; Medium chain acyl-CoA dehydrogenase deficiency; MCAD Deficiency; MCADD. Identifiers: Orphanet 42, MedGen C0220710, MONDO:0008721, OMIM 201450.

Allele frequency attached by ClinVar (database versions not stated): gnomAD exomes below 0.00001; TOPMed 0.00001.
gnomAD v4.1: 1 of 1,614,090 alleles (0.000062%); highest among the groups gnomAD compares: Non-Finnish European, 0.000085%; no homozygotes.

Submissions (2):

GeneDx
Classification: Likely pathogenic. Last evaluated: 2019-08-19. Review status: criteria provided, single submitter. Criteria: GeneDx Variant Classification Process June 2021. Collection method: clinical testing. Allele origin: germline. Affected: yes.
Comment: Not observed in large population cohorts (Lek et al., 2016); In silico analysis, which includes protein predictors and evolutionary conservation, supports a deleterious effect; Has not been previously published as pathogenic or benign to our knowledge

Counsyl
Classification: Uncertain significance for Medium-chain acyl-coenzyme A dehydrogenase deficiency. Last evaluated: 2018-04-09. Review status: no assertion criteria provided. Collection method: clinical testing. Allele origin: unknown. Not counted in ClinVar's aggregate classification.